The following is an entry in ClinVar:

ClinVar aggregate classification (germline): Likely pathogenic (1 of 4 stars; one submission).

Conditions:
Primary ciliary dyskinesia. Also called: Ciliary dyskinesia. Identifiers: Orphanet 244, MedGen C0008780, MONDO:0016575, HP:0012265.

Submission:

Labcorp Genetics (formerly Invitae), Labcorp
Classification: Likely pathogenic for Primary ciliary dyskinesia. Last evaluated: 2020-02-05. Review status: criteria provided, single submitter. Criteria: Invitae Variant Classification Sherloc (09022015). Collection method: clinical testing. Allele origin: germline.
Comment: This sequence change affects a donor splice site in intron 3 of the DNAI1 gene. It is expected to disrupt RNA splicing and likely results in an absent or disrupted protein product. In summary, the currently available evidence indicates that the variant is pathogenic, but additional data are needed to prove that conclusively. Therefore, this variant has been classified as Likely Pathogenic. Donor and acceptor splice site variants typically lead to a loss of protein function (PMID: 16199547), and loss-of-function variants in DNAI1 are known to be pathogenic (PMID: 16858015). Algorithms developed to predict the effect of sequence changes on RNA splicing suggest that this variant may disrupt the consensus splice site, but this prediction has not been confirmed by published transcriptional studies. This variant has not been reported in the literature in individuals with DNAI1-related conditions. This variant is not present in population databases (ExAC no frequency).

Literature cited by the submitters: PubMed 16199547; PubMed 16858015.

NM_012144.4(DNAI1):c.180+1G>T

Gene: DNAI1 (dynein axonemal intermediate chain 1; plus strand). Cytogenetic location: 9p13.3.
Variant type: single nucleotide variant.
Coding change: c.180+1G>T on transcript NM_012144.4 (MANE Select); the canonical splice donor site of the intron after coding-DNA position 180, G replaced by T.
Molecular consequence: splice donor variant.
Genome position (GRCh38, 1-based): chr9:34,485,241, G>T. VCF-style: chr9-34485241-G-T. GRCh37 (hg19) VCF-style: chr9-34485239-G-T.
Other names: c.180+1G>T (NM_001281428.2).
Identifiers: ClinVar variation 1066601 (VCV001066601.15), dbSNP rs2132057443, ClinGen allele CA373242245.